The following is an entry in ClinVar:

ClinVar aggregate classification (germline): Conflicting classifications of pathogenicity. Review status: criteria provided, conflicting classifications (1 of 4 stars). 8 submissions from 8 submitters: Uncertain significance (5); Likely benign (2). 1 of the submissions does not count toward it. Last evaluated 2026-03-01.

Conditions:
EARS2-related disorder. Also called: EARS2-related disorders; EARS2-related condition.
Leukoencephalopathy-thalamus and brainstem anomalies-high lactate syndrome. Also called: LEUKOENCEPHALOPATHY WITH THALAMUS AND BRAINSTEM INVOLVEMENT AND HIGH LACTATE; Combined oxidative phosphorylation deficiency 12. Identifiers: Orphanet 314051, MedGen C4706421, MONDO:0013971, OMIM 614924.

Allele frequency attached by ClinVar (database versions not stated): 1000 Genomes Project 0.00060; 1000 Genomes Project 30x 0.00078; ESP Exome Variant Server 0.00087; gnomAD 0.00109 and 0.00118; TOPMed 0.00147.
gnomAD v4.1: 3,228 of 1,614,046 alleles (0.2%); highest among the groups gnomAD compares: Non-Finnish European, 0.25%; 6 homozygotes.

Submissions (8):

CeGaT Center for Human Genetics Tuebingen
Classification: Likely benign. Last evaluated: 2026-03-01. Review status: criteria provided, single submitter. Criteria: CeGaT Center For Human Genetics Tuebingen Variant Classification Criteria Version 2. Collection method: clinical testing. Allele origin: germline. Affected: yes. Observed: 6 variant alleles.
Comment: EARS2: BS2

GeneDx
Classification: Uncertain significance. Last evaluated: 2025-08-12. Review status: criteria provided, single submitter. Criteria: GeneDx Variant Classification Process June 2021. Collection method: clinical testing. Allele origin: germline.
Comment: In silico analysis supports that this missense variant has a deleterious effect on protein structure/function; Identified as heterozygous in a patient with infantile respiratory chain deficiency who was also homoplasmic for the m.14674 T>C pathogenic variant in the MT-TE gene (PMID: 33128823); This variant is associated with the following publications: (PMID: 33128823)

Mayo Clinic Laboratories, Mayo Clinic
Classification: Uncertain significance. Last evaluated: 2025-01-31. Review status: criteria provided, single submitter. Criteria: ACMG Guidelines, 2015. Collection method: clinical testing. Allele origin: germline. Observed: 2 variant alleles.
Comment: BS1

Blueprint Genetics
Classification: Uncertain significance. Last evaluated: 2024-10-28. Review status: criteria provided, single submitter. Criteria: ACMG Guidelines, 2015. Collection method: clinical testing. Allele origin: germline.

Labcorp Genetics (formerly Invitae), Labcorp
Classification: Likely benign. Last evaluated: 2019-12-31. Review status: criteria provided, single submitter. Criteria: Invitae Variant Classification Sherloc (09022015). Collection method: clinical testing. Allele origin: germline.

Baylor Genetics
Classification: Uncertain significance for Leukoencephalopathy-thalamus and brainstem anomalies-high lactate syndrome. Last evaluated: 2018-09-19. Review status: criteria provided, single submitter. Criteria: ACMG Guidelines, 2015. Collection method: clinical testing. Allele origin: unknown. Affected: yes.
Comment: This variant was determined to be of uncertain significance according to ACMG Guidelines, 2015 [PMID:25741868].

Illumina Laboratory Services, Illumina
Classification: Uncertain significance for Leukoencephalopathy-thalamus and brainstem anomalies-high lactate syndrome. Last evaluated: 2018-01-12. Review status: criteria provided, single submitter. Criteria: ICSL Variant Classification Criteria 13 December 2019. Collection method: clinical testing. Allele origin: germline.

PreventionGenetics, part of Exact Sciences
Classification: Likely benign for EARS2-related condition. Last evaluated: 2022-05-09. Review status: no assertion criteria provided. Collection method: clinical testing. Allele origin: germline. Not counted in ClinVar's aggregate classification.
Comment: This variant is classified as likely benign based on ACMG/AMP sequence variant interpretation guidelines (Richards et al. 2015 PMID: 25741868, with internal and published modifications).

Literature cited by the submitters: PubMed 33128823 (cited by Mayo Clinic Laboratories, Mayo Clinic).

NM_001083614.2(EARS2):c.263C>A (p.Ala88Glu)

Gene: EARS2 (glutamyl-tRNA synthetase 2, mitochondrial; minus strand). Cytogenetic location: 16p12.2.
Variant type: single nucleotide variant.
Coding change: c.263C>A on transcript NM_001083614.2 (MANE Select); coding-DNA position 263, C replaced by A.
Protein change: p.Ala88Glu; replaces alanine 88 with glutamic acid.
Molecular consequence: missense variant. On other transcripts: non-coding transcript variant (1).
Genome position (GRCh38, 1-based): chr16:23,552,181, G>T on the plus strand (C>A on the coding strand, the complement: EARS2 is on the minus strand). VCF-style: chr16-23552181-G-T. GRCh37 (hg19) VCF-style: chr16-23563502-G-T.
Other names: p.Ala88Glu; c.263C>A, p.Ala88Glu (NM_001308211.1); short protein forms A88E.
Identifiers: ClinVar variation 318556 (VCV000318556.36), dbSNP rs201929423, ClinGen allele CA7962659.
Genomic context (GRCh38, chr16:23,552,181, plus strand): 5'-AGAAAGATCCTTTCTCTGCCAGGCTTACCTGCCCACTCCAGCATGTCCTCAATATTCTCC[G>T]CTGCCCCAGGCACAACGCGAGTCTGATCTGTGTCCTCTAGCCTCAGGATGAAGCTCCCCT-3'
Protein context (NP_001077083.1, residues 78-98): TDQTRVVPGA[Ala88Glu]ENIEDMLEWA